The following is an entry in ClinVar:

NM_006206.6(PDGFRA):c.1268A>G (p.Asp423Gly)

Gene: PDGFRA (platelet derived growth factor receptor alpha; plus strand). Cytogenetic location: 4q12.
Variant type: single nucleotide variant.
Coding change: c.1268A>G on transcript NM_006206.6 (MANE Select); coding-DNA position 1268, A replaced by G.
Protein change: p.Asp423Gly; replaces aspartic acid 423 with glycine.
Molecular consequence: missense variant.
Genome position (GRCh38, 1-based): chr4:54,272,424, A>G. VCF-style: chr4-54272424-A-G. GRCh37 (hg19) VCF-style: chr4-55138591-A-G.
Other names: c.1268A>G, p.Asp423Gly (NM_001347827.2, NM_001347829.2); c.1343A>G, p.Asp448Gly (NM_001347828.2); c.1307A>G, p.Asp436Gly (NM_001347830.2); short protein forms D436G, D423G, D448G.
Identifiers: ClinVar variation 2865530 (VCV002865530.3), dbSNP rs2475481774, ClinGen allele CA356892198.

ClinVar aggregate classification (germline): Uncertain significance (1 of 4 stars; one submission).

Conditions:
Gastrointestinal stromal tumor. Also called: Gastrointestinal stromal tumor, somatic; Gastrointestinal stroma tumor. Identifiers: Orphanet 44890, MedGen C0238198, MeSH D046152, MONDO:0011719, OMIM 606764, HP:0100723.

Submission:

Labcorp Genetics (formerly Invitae), Labcorp
Classification: Uncertain significance for Gastrointestinal stromal tumor. Last evaluated: 2025-10-07. Review status: criteria provided, single submitter. Criteria: Invitae Variant Classification Sherloc (09022015). Collection method: clinical testing. Allele origin: germline.
Comment: This sequence change replaces aspartic acid, which is acidic and polar, with glycine, which is neutral and non-polar, at codon 423 of the PDGFRA protein (p.Asp423Gly). This variant is not present in population databases (gnomAD no frequency). This variant has not been reported in the literature in individuals affected with PDGFRA-related conditions. ClinVar contains an entry for this variant (Variation ID: 2865530). Invitae Evidence Modeling of protein sequence and biophysical properties (such as structural, functional, and spatial information, amino acid conservation, physicochemical variation, residue mobility, and thermodynamic stability) indicates that this missense variant is not expected to disrupt PDGFRA protein function with a negative predictive value of 80%. In summary, the available evidence is currently insufficient to determine the role of this variant in disease. Therefore, it has been classified as a Variant of Uncertain Significance.